The following is an entry in ClinVar:

ClinVar aggregate classification (germline): Uncertain significance (1 of 4 stars; one submission).

gnomAD v4.1: 2 of 1,614,052 alleles (0.00012%); highest among the groups gnomAD compares: Admixed American, 0.0033%; no homozygotes.

Submission:

Dasa
Classification: Uncertain significance. Last evaluated: 2025-12-23. Review status: criteria provided, single submitter. Criteria: DASA Assertion Criteria. Collection method: clinical testing. Allele origin: germline.
Comment: NM_001458.5(FLNC):c.4325A>G (p.Asp1442Gly) is a missense variant that results in the substitution of aspartic acid with glycine. This variant is rare in population databases. Computational prediction algorithms are consistent with a deleterious effect. The currently available literature and clinical evidence are not sufficient to establish a definitive association between this variant and the reported condition. Therefore, this variant is classified as a variant of uncertain significance.

NM_001458.5(FLNC):c.4325A>G (p.Asp1442Gly)

Gene: FLNC (filamin C; plus strand). Cytogenetic location: 7q32.1.
Variant type: single nucleotide variant.
Coding change: c.4325A>G on transcript NM_001458.5 (MANE Select); coding-DNA position 4325, A replaced by G.
Protein change: p.Asp1442Gly; replaces aspartic acid 1442 with glycine.
Molecular consequence: missense variant.
Genome position (GRCh38, 1-based): chr7:128,847,733, A>G. VCF-style: chr7-128847733-A-G. GRCh37 (hg19) VCF-style: chr7-128487787-A-G.
Other names: c.4325A>G, p.Asp1442Gly (NM_001127487.2); short protein forms D1442G.
Identifiers: ClinVar variation 4885054 (VCV004885054.2).